The following is an entry in ClinVar:

NM_001330.5(CTF1):c.295C>G (p.Pro99Ala)

Genes: CTF1 (cardiotrophin 1; plus strand), LOC130058878 (ATAC-STARR-seq lymphoblastoid silent region 7400; plus strand). Cytogenetic location: 16p11.2.
Variant type: single nucleotide variant.
Coding change: c.295C>G on transcript NM_001330.5 (MANE Select); coding-DNA position 295, C replaced by G.
Protein change: p.Pro99Ala; replaces proline 99 with alanine.
Molecular consequence: missense variant. On other transcripts: non-coding transcript variant (1).
Genome position (GRCh38, 1-based): chr16:30,902,228, C>G. VCF-style: chr16-30902228-C-G. GRCh37 (hg19) VCF-style: chr16-30913549-C-G.
Other names: c.292C>G, p.Pro98Ala (NM_001142544.3); short protein forms P98A, P99A.
Identifiers: ClinVar variation 2079420 (VCV002079420.4), dbSNP rs2055407930, ClinGen allele CA395618741.

ClinVar aggregate classification (germline): Uncertain significance (1 of 4 stars; one submission).

Allele frequency attached by ClinVar (database versions not stated): TOPMed 0.00002.

Submission:

Labcorp Genetics (formerly Invitae), Labcorp
Classification: Uncertain significance. Last evaluated: 2024-07-23. Review status: criteria provided, single submitter. Criteria: Invitae Variant Classification Sherloc (09022015). Collection method: clinical testing. Allele origin: germline.
Comment: This sequence change replaces proline, which is neutral and non-polar, with alanine, which is neutral and non-polar, at codon 99 of the CTF1 protein (p.Pro99Ala). The frequency data for this variant in the population databases is considered unreliable, as metrics indicate insufficient coverage at this position in the gnomAD database. This variant has not been reported in the literature in individuals affected with CTF1-related conditions. ClinVar contains an entry for this variant (Variation ID: 2079420). An algorithm developed to predict the effect of missense changes on protein structure and function outputs the following: PolyPhen-2: "Benign". The alanine amino acid residue is found in multiple mammalian species, which suggests that this missense change does not adversely affect protein function. In summary, the available evidence is currently insufficient to determine the role of this variant in disease. Therefore, it has been classified as a Variant of Uncertain Significance.